The following is an entry in ClinVar:

ClinVar aggregate classification (germline): Likely benign (1 of 4 stars; one submission).

gnomAD v4.1: 20 of 1,613,554 alleles (0.0012%); highest among the groups gnomAD compares: Non-Finnish European, 0.0017%; no homozygotes.

Submission:

CeGaT Center for Human Genetics Tuebingen
Classification: Likely benign. Last evaluated: 2025-09-01. Review status: criteria provided, single submitter. Criteria: CeGaT Center For Human Genetics Tuebingen Variant Classification Criteria Version 2. Collection method: clinical testing. Allele origin: germline. Affected: yes. Observed: 1 variant allele.
Comment: CENPF: BP4, BP7

NM_016343.4(CENPF):c.5907T>C (p.Thr1969=)

Gene: CENPF (centromere protein F; plus strand). Cytogenetic location: 1q41.
Variant type: single nucleotide variant.
Coding change: c.5907T>C on transcript NM_016343.4 (MANE Select); coding-DNA position 5907, T replaced by C.
Protein change: p.Thr1969=; no amino-acid change (threonine 1969 retained).
Molecular consequence: synonymous variant.
Genome position (GRCh38, 1-based): chr1:214,645,477, T>C. VCF-style: chr1-214645477-T-C. GRCh37 (hg19) VCF-style: chr1-214818820-T-C.
Identifiers: ClinVar variation 4281069 (VCV004281069.7).